The following is an entry in ClinVar:

NM_020738.4(KIDINS220):c.1692G>A (p.Leu564=)

Gene: KIDINS220 (kinase D interacting substrate 220; minus strand). Cytogenetic location: 2p25.1.
Variant type: single nucleotide variant.
Coding change: c.1692G>A on transcript NM_020738.4 (MANE Select); coding-DNA position 1692, G replaced by A.
Protein change: p.Leu564=; no amino-acid change (leucine 564 retained).
Molecular consequence: synonymous variant. On other transcripts: non-coding transcript variant (2).
Genome position (GRCh38, 1-based): chr2:8,788,742, C>T on the plus strand (G>A on the coding strand, the complement: KIDINS220 is on the minus strand). VCF-style: chr2-8788742-C-T. GRCh37 (hg19) VCF-style: chr2-8928872-C-T.
Other names: c.1695G>A, p.Leu565= (NM_001348729.2, NM_001348731.2, NM_001348734.2 and 3 more transcripts); c.1692G>A, p.Leu564= (NM_001348732.2, NM_001348735.2, NM_001348738.2 and 3 more transcripts); c.1566G>A, p.Leu522= (NM_001348736.2).
Identifiers: ClinVar variation 4994384 (VCV004994384.1).
Genomic context (GRCh38, chr2:8,788,742, plus strand): 5'-CTCAGGTGGATTCACAAACATCAATTTAAGGAGGAGTTCCAAATATCCAATATGTCTTGC[C>T]AATCTAGTGCTGAGGACCCAGGCCCAATTCCAACTCTCTCCTTCTCTTCGTCCACCAAAG-3'
Protein context (NP_065789.1, residues 554-574): WNWAWVLSTR[Leu564=]ARHIGYLELL

ClinVar aggregate classification (germline): Likely benign (1 of 4 stars; one submission).

Conditions:
KIDINS220-related disorder. Also called: KIDINS220-related condition.

gnomAD v4.1: 1 of 1,613,962 alleles (0.000062%); highest among the groups gnomAD compares: Non-Finnish European, 0.000085%; no homozygotes.

Submission:

PreventionGenetics, part of Exact Sciences
Classification: Likely benign for KIDINS220-related condition. Last evaluated: 2026-06-04. Review status: criteria provided, single submitter. Criteria: ACMG Guidelines, 2015. Collection method: clinical testing. Allele origin: germline.
Comment: This variant is classified as likely benign based on ACMG/AMP sequence variant interpretation guidelines (Richards et al. 2015 PMID: 25741868, with internal and published modifications).